The following is an entry in ClinVar:

ClinVar aggregate classification (germline): Uncertain significance (1 of 4 stars; one submission).

Conditions:
Inborn genetic diseases. Identifiers: MedGen C0950123, MeSH D030342.

Submission:

Ambry Genetics
Classification: Uncertain significance for Inborn genetic diseases. Last evaluated: 2022-04-11. Review status: criteria provided, single submitter. Criteria: Ambry Variant Classification Scheme 2023. Collection method: clinical testing. Allele origin: germline.
Comment: The p.A423T variant (also known as c.1267G>A), located in coding exon 7 of the PIK3CA gene, results from a G to A substitution at nucleotide position 1267. The alanine at codon 423 is replaced by threonine, an amino acid with similar properties. This amino acid position is conserved. In addition, this alteration is predicted to be deleterious by in silico analysis. Since supporting evidence is limited at this time, the clinical significance of this alteration remains unclear.

NM_006218.4(PIK3CA):c.1267G>A (p.Ala423Thr)

Gene: PIK3CA (phosphatidylinositol-4,5-bisphosphate 3-kinase catalytic subunit alpha; plus strand). Cytogenetic location: 3q26.32.
Variant type: single nucleotide variant.
Coding change: c.1267G>A on transcript NM_006218.4 (MANE Select); coding-DNA position 1267, G replaced by A.
Protein change: p.Ala423Thr; replaces alanine 423 with threonine.
Molecular consequence: missense variant.
Genome position (GRCh38, 1-based): chr3:179,210,201, G>A. VCF-style: chr3-179210201-G-A. GRCh37 (hg19) VCF-style: chr3-178927989-G-A.
Other names: short protein forms A423T.
Identifiers: ClinVar variation 1764478 (VCV001764478.2), dbSNP rs2108400172, ClinGen allele CA355261569.